The following is an entry in ClinVar:

ClinVar aggregate classification (germline): Pathogenic (1 of 4 stars; one submission).

Conditions:
Familial adenomatous polyposis 1 (FAP1). Also called: FAMILIAL ADENOMATOUS POLYPOSIS 1, ATTENUATED; POLYPOSIS, ADENOMATOUS INTESTINAL. Identifiers: MedGen C2713442, MONDO:0021056, OMIM 175100. Disease mechanism: loss of function.

Submission:

Labcorp Genetics (formerly Invitae), Labcorp
Classification: Pathogenic for Familial adenomatous polyposis 1. Last evaluated: 2024-07-06. Review status: criteria provided, single submitter. Criteria: Invitae Variant Classification Sherloc (09022015). Collection method: clinical testing. Allele origin: germline.
Comment: This sequence change creates a premature translational stop signal (p.Ser747Leufs*9) in the APC gene. While this is not anticipated to result in nonsense mediated decay, it is expected to disrupt the last 2097 amino acid(s) of the APC protein. This variant is not present in population databases (gnomAD no frequency). This variant has not been reported in the literature in individuals affected with APC-related conditions. This variant disrupts a region of the APC protein in which other variant(s) (p.Tyr2645Lysfs*14) have been determined to be pathogenic (PMID: 1316610, 8381579, 9824584, 22135120, 27081525). This suggests that this is a clinically significant region of the protein, and that variants that disrupt it are likely to be disease-causing. For these reasons, this variant has been classified as Pathogenic.

Literature cited by the submitters: PubMed 1316610; PubMed 8381579; PubMed 9824584; PubMed 22135120; PubMed 27081525.

NM_000038.6(APC):c.2237dup (p.Ser747fs)

Gene: APC (APC regulator of Wnt signaling pathway; plus strand). Cytogenetic location: 5q22.2.
Variant type: Duplication.
Coding change: c.2237dup on transcript NM_000038.6 (MANE Select); coding-DNA position 2237, one base duplicated (G; older notation c.2237dupG).
Protein change: p.Ser747fs; shifts the reading frame from serine 747.
Molecular consequence: frameshift variant. On other transcripts: non-coding transcript variant (2).
Genome position (GRCh38, 1-based): chr5:112,837,831, G duplicated; the last of 2 consecutive G bases (chr5:112,837,830-112,837,831); duplicating either gives the same sequence. VCF-style (leftmost placement, unchanged base first): chr5-112837829-T-TG. GRCh37 (hg19) VCF-style: chr5-112173526-T-TG.
Other names: c.2237dup, p.Ser747fs (NM_001127510.3, NM_001354895.2, NM_001407450.1); c.2183dup, p.Ser729fs (NM_001127511.3); c.2291dup, p.Ser765fs (NM_001354896.2, NM_001407447.1, NM_001407448.1 and 1 more transcripts); c.2267dup, p.Ser757fs (NM_001354897.2); c.2162dup, p.Ser722fs (NM_001354898.2); c.2153dup, p.Ser719fs (NM_001354899.2); c.2114dup, p.Ser706fs (NM_001354900.2); c.2060dup, p.Ser688fs (NM_001354901.2, NM_001407453.1); and 11 more; short protein forms S621fs, S646fs, S722fs, S464fs, S587fs, S656fs, S706fs, S737fs.
Identifiers: ClinVar variation 3658835 (VCV003658835.2).